The following is an entry in ClinVar:

ClinVar aggregate classification (germline): Likely pathogenic (1 of 4 stars; one submission).

Conditions:
Neurodevelopmental disorder with microcephaly, cataracts, and renal abnormalities. Identifiers: MedGen C4693567, MONDO:0060664, OMIM 617913.

Submission:

Victorian Clinical Genetics Services, Murdoch Childrens Research Institute
Classification: Likely pathogenic for Neurodevelopmental disorder with microcephaly, cataracts, and renal abnormalities. Last evaluated: 2025-04-17. Review status: criteria provided, single submitter. Criteria: ACMG Guidelines, 2015. Collection method: clinical testing. Allele origin: germline. Affected: yes.
Comment: This variant is classified as Likely pathogenic. Evidence in support of pathogenic classification: Variant is predicted to result in a truncated protein (premature termination codon is NOT located at least 54 nucleotides upstream of the final exon-exon junction) with at least 1/3 of the protein sequence affected; Variant is present in gnomAD <0.01 for a recessive condition (v4: 48 heterozygote(s), 0 homozygote(s)) ; Variant is predicted to truncate the well-established nuclear localisation signal motif. Constructs generated with the nuclear localisation signal motif deleted, showed mislocalisation of the GEMIN4 protein (PMID: 29371219). Additional information: This variant is heterozygous; This gene is associated with autosomal recessive disease; This variant has no previous evidence of pathogenicity; No published segregation evidence has been identified for this variant; No published functional evidence has been identified for this variant; Other predicted NMD-escape variants comparable to the one identified in this case have inconclusive previous evidence for pathogenicity. Many variants predicted to result in a truncated protein have been classified as VUS by clinical laboratories in ClinVar. However, the p.(Pro472Argfs*23) variant has been reported in the literature in a compound heterozygous state in an individual with epilepsy and heart defects (PMID: 36553572); Loss of function is a known mechanism of disease in this gene and is associated with neurodevelopmental disorder with microcephaly, cataracts, and renal abnormalities (MIM#617913).

Literature cited by the submitters: PubMed 36553572; PubMed 29371219.

NM_015721.3(GEMIN4):c.374_375del (p.Phe125fs)

Gene: GEMIN4 (gem nuclear organelle associated protein 4; minus strand). Cytogenetic location: 17p13.3.
Variant type: Deletion.
Coding change: c.374_375del on transcript NM_015721.3 (MANE Select); coding-DNA positions 374 to 375, 2 bases deleted (TT; older notation c.374_375delTT).
Protein change: p.Phe125fs; shifts the reading frame from phenylalanine 125.
Molecular consequence: frameshift variant.
Genome position (GRCh38, 1-based): chr17:747,668-747,669, AA deleted on the plus strand (TT on the coding strand, the reverse complement: GEMIN4 is on the minus strand); deleting any 2 consecutive bases within chr17:747,668-747,670 gives the same sequence; the c. name uses the placement nearest the transcript's 3' end. VCF-style (leftmost placement, unchanged base first): chr17-747667-TAA-T. GRCh37 (hg19) VCF-style: chr17-650907-TAA-T.
Other names: short protein forms F125fs.
Identifiers: ClinVar variation 4531677 (VCV004531677.1).